The following is an entry in ClinVar:

ClinVar aggregate classification (germline): Benign. Review status: criteria provided, multiple submitters, no conflicts (2 of 4 stars). 7 submissions from 4 submitters: Benign (7). Last evaluated 2024-07-15.

Conditions:
Developmental and epileptic encephalopathy, 42 (DEE42A). Also called: Epileptic encephalopathy, early infantile, 42; DEVELOPMENTAL AND EPILEPTIC ENCEPHALOPATHY 42A; EPILEPTIC ENCEPHALOPATHY, EARLY INFANTILE, 42A. Identifiers: MedGen C4310716, MONDO:0014917, OMIM 617106.
Episodic ataxia type 2 (EA2). Also called: ACETAZOLAMIDE-RESPONSIVE HEREDITARY PAROXYSMAL CEREBELLAR ATAXIA; ATAXIA, FAMILIAL PAROXYSMAL; CEREBELLAR ATAXIA, PAROXYSMAL, ACETAZOLAMIDE-RESPONSIVE; CEREBELLOPATHY, HEREDITARY PAROXYSMAL; EPISODIC ATAXIA, NYSTAGMUS-ASSOCIATED; ATAXIA, EPISODIC, WITH NYSTAGMUS. Identifiers: Orphanet 97, MedGen C1720416, MONDO:0007163, OMIM 108500.
Migraine, familial hemiplegic, 1. Also called: MIGRAINE, FAMILIAL HEMIPLEGIC 1, WITH PROGRESSIVE CEREBELLAR ATAXIA. Identifiers: Orphanet 569, MedGen C1832884, MONDO:0020756, OMIM 141500, MONDO:0007714.
Spinocerebellar ataxia type 6 (SCA6). Identifiers: Orphanet 98758, MedGen C0752124, MONDO:0008457, OMIM 183086.

Allele frequency attached by ClinVar (database versions not stated): 1000 Genomes Project 0.47903; 1000 Genomes Project 30x 0.48563; gnomAD exomes 0.52958; gnomAD 0.53826 and 0.54210; TOPMed 0.54663; ExAC 0.55519; ESP Exome Variant Server 0.56843.
gnomAD v4.1: 713,938 of 1,283,916 alleles (56%); highest among the groups gnomAD compares: Middle Eastern, 72%; 202,762 homozygotes.

Submissions (7):

Unidad de Genómica Garrahan, Hospital de Pediatría Garrahan
Classification: Benign. Last evaluated: 2024-07-15. Review status: criteria provided, single submitter. Criteria: ACMG Guidelines, 2015. Collection method: clinical testing. Allele origin: germline. Affected: no. Observed: 67 variant alleles.
Comment: This variant is classified as Benign based on local population frequency. This variant was detected in 72% of patients studied in a panel designed for Epileptic and Developmental Encephalopathy and Progressive Myoclonus Epilepsy. Number of patients: 67. Only high quality variants are reported.

Genome-Nilou Lab
Classification: Benign for Developmental and epileptic encephalopathy, 42. Last evaluated: 2021-07-14. Review status: criteria provided, single submitter. Criteria: ACMG Guidelines, 2015. Collection method: clinical testing. Allele origin: germline. Affected: no.

Genome-Nilou Lab
Classification: Benign for Episodic ataxia type 2. Last evaluated: 2021-07-14. Review status: criteria provided, single submitter. Criteria: ACMG Guidelines, 2015. Collection method: clinical testing. Allele origin: germline. Affected: no.

Genome-Nilou Lab
Classification: Benign for Migraine, familial hemiplegic, 1. Last evaluated: 2021-07-14. Review status: criteria provided, single submitter. Criteria: ACMG Guidelines, 2015. Collection method: clinical testing. Allele origin: germline. Affected: no.

Genome-Nilou Lab
Classification: Benign for Spinocerebellar ataxia type 6. Last evaluated: 2021-07-14. Review status: criteria provided, single submitter. Criteria: ACMG Guidelines, 2015. Collection method: clinical testing. Allele origin: germline. Affected: no.

GeneDx
Classification: Benign. Last evaluated: 2018-06-14. Review status: criteria provided, single submitter. Criteria: GeneDx Variant Classification (06012015). Collection method: clinical testing. Allele origin: germline. Affected: yes.
Comment: This variant is considered likely benign or benign based on one or more of the following criteria: it is a conservative change, it occurs at a poorly conserved position in the protein, it is predicted to be benign by multiple in silico algorithms, and/or has population frequency not consistent with disease.

Breakthrough Genomics
Classification: Benign. Review status: criteria provided, single submitter. Criteria: ACMG Guidelines, 2015. Collection method: not provided. Allele origin: germline. Inheritance: Autosomal dominant inheritance. Affected: yes.

NM_001127222.2(CACNA1A):c.5731+49C>T

Gene: CACNA1A (calcium voltage-gated channel subunit alpha1 A; minus strand). Cytogenetic location: 19p13.13.
Variant type: single nucleotide variant.
Coding change: c.5731+49C>T on transcript NM_001127222.2 (MANE Select); 49 bases into the intron after coding-DNA position 5731, C replaced by T.
Molecular consequence: intron variant.
Genome position (GRCh38, 1-based): chr19:13,224,618, G>A on the plus strand (C>T on the coding strand, the complement: CACNA1A is on the minus strand). VCF-style: chr19-13224618-G-A. GRCh37 (hg19) VCF-style: chr19-13335432-G-A.
Other names: c.5734+49C>T (NM_001127221.2); c.5740+49C>T (NM_001174080.2); c.5749+49C>T (NM_000068.4, NM_023035.3).
Identifiers: ClinVar variation 678193 (VCV000678193.6), dbSNP rs3816027, ClinGen allele CA9239610.